The following is an entry in ClinVar:

NC_000023.10:g.(31144791_31152218)_(31165636_31187559)dup

Gene: DMD (dystrophin; minus strand). Cytogenetic location: Xp21.2.
Variant type: Duplication.
Identifiers: ClinVar variation 1878213 (VCV001878213.1).

ClinVar aggregate classification (germline): Likely pathogenic (1 of 4 stars; one submission).

Conditions:
Neuromuscular disease caused by qualitative or quantitative defects of dystrophin. Also called: Qualitative or quantitative defects of dystrophin. Identifiers: Orphanet 207085, MedGen C5679787, MONDO:0016147.

Submission:

Women's Health and Genetics/Laboratory Corporation of America, LabCorp
Classification: Likely pathogenic for Neuromuscular disease caused by qualitative or quantitative defects of dystrophin. Last evaluated: 2022-12-05. Review status: criteria provided, single submitter. Criteria: LabCorp Variant Classification Summary - May 2015. Collection method: clinical testing. Allele origin: germline.
Comment: Variant summary: The variant identified by MLPA or other technology involves the duplication of exons 75-77 in the DMD gene. A presumed nomenclature of c.(10553+1_10554-1)_(11014+1_11015-1)dup has been designated for the purposes of this classification. It has been assumed that this is a tandem duplication in direct orientation (Richardson_GIM_2018, Newman_AJHG_2015). Although exact breakpoints of this duplication are not known, it is expected to result in a frameshift in the DMD gene. Other structural variants which result in a frameshift downstream of this variant have been classified as pathogenic by our laboratory. The variant was absent in 15815 control chromosomes (gnomAD, structural variants dataset). The available data on variant occurrences in the general population are insufficient to allow any conclusion about variant significance. c.(10553+1_10554-1)_(11014+1_11015-1)dup has been reported in the literature in an individuals affected with intermediate muscular disease, a phenotype with heterogeneous clinical manifestations and severity between Duchenne muscular dystrophy and Becker muscular dystrophy (Tong_2020). To our knowledge, no experimental evidence demonstrating an impact on protein function has been reported. No clinical diagnostic laboratories have submitted clinical-significance assessments for this variant to ClinVar after 2014. Based on the evidence outlined above, the variant was classified as likely pathogenic.

Literature cited by the submitters: PubMed 33101180.